The following is an entry in ClinVar:

ClinVar aggregate classification (germline): Benign. Review status: criteria provided, multiple submitters, no conflicts (2 of 4 stars). 2 submissions from 2 submitters: Benign (2). Last evaluated 2018-01-13.

Conditions:
Acrodysostosis 2 with or without hormone resistance. Also called: ACRODYSOSTOSIS 2 WITH HORMONE RESISTANCE; ACRODYSOSTOSIS 2 WITHOUT HORMONE RESISTANCE. Identifiers: Orphanet 280651, MedGen C3553250, MONDO:0013822, OMIM 614613.

Allele frequency attached by ClinVar (database versions not stated): TOPMed 0.00170; gnomAD 0.00251 and 0.00302; 1000 Genomes Project 30x 0.00422; 1000 Genomes Project 0.00439; gnomAD exomes 0.00701.
gnomAD v4.1: 459 of 152,722 alleles (0.3%); highest among the groups gnomAD compares: South Asian, 1.7%; 2 homozygotes.

Submissions (2):

Illumina Laboratory Services, Illumina
Classification: Benign for Acrodysostosis 2 with or without hormone resistance. Last evaluated: 2018-01-13. Review status: criteria provided, single submitter. Criteria: ICSL Variant Classification Criteria 13 December 2019. Collection method: clinical testing. Allele origin: germline.
Comment: This variant was observed in the ICSL laboratory as part of a predisposition screen in an ostensibly healthy population. It had not been previously curated by ICSL or reported in the Human Gene Mutation Database (HGMD: prior to June 1st, 2018), and was therefore a candidate for classification through an automated scoring system. Utilizing variant allele frequency, disease prevalence and penetrance estimates, and inheritance mode, an automated score was calculated to assess if this variant is too frequent to cause the disease. Based on the score and internal cut-off values, a variant classified as benign is not then subjected to further curation. The score for this variant resulted in a classification of benign for this disease.

Breakthrough Genomics
Classification: Benign. Review status: criteria provided, single submitter. Criteria: ACMG Guidelines, 2015. Collection method: not provided. Allele origin: germline. Inheritance: Autosomal dominant inheritance. Affected: yes.

NM_001104631.2(PDE4D):c.*3214T>A

Gene: PDE4D (phosphodiesterase 4D; minus strand). Cytogenetic location: 5q11.2.
Variant type: single nucleotide variant.
Coding change: c.*3214T>A on transcript NM_001104631.2 (MANE Select); 3214 bases downstream of the stop codon, T replaced by A.
Molecular consequence: 3 prime UTR variant.
Genome position (GRCh38, 1-based): chr5:58,971,450, A>T on the plus strand (T>A on the coding strand, the complement: PDE4D is on the minus strand). VCF-style: chr5-58971450-A-T. GRCh37 (hg19) VCF-style: chr5-58267277-A-T.
Other names: c.*3214T>A (NM_001165899.2, NM_001197218.2, NM_001197219.2 and 11 more transcripts).
Identifiers: ClinVar variation 353933 (VCV000353933.6), dbSNP rs188938118, ClinGen allele CA10620613.